The following is an entry in ClinVar:

NM_000155.4(GALT):c.251A>C (p.Glu84Ala)

Genes: GALT (galactose-1-phosphate uridylyltransferase; plus strand), LOC130001683 (ATAC-STARR-seq lymphoblastoid active region 28314; plus strand). Cytogenetic location: 9p13.3.
Variant type: single nucleotide variant.
Coding change: c.251A>C on transcript NM_000155.4 (MANE Select); coding-DNA position 251, A replaced by C.
Protein change: p.Glu84Ala; replaces glutamic acid 84 with alanine.
Molecular consequence: missense variant.
Genome position (GRCh38, 1-based): chr9:34,647,257, A>C. VCF-style: chr9-34647257-A-C. GRCh37 (hg19) VCF-style: chr9-34647254-A-C.
Other names: c.49A>C, p.Ser17Arg (NM_001258332.2); short protein forms E84A, S17R.
Identifiers: ClinVar variation 4707129 (VCV004707129.1).

ClinVar aggregate classification (germline): Uncertain significance (1 of 4 stars; one submission).

Conditions:
Deficiency of UDPglucose-hexose-1-phosphate uridylyltransferase. Also called: GALT deficiency; Galactosemia, classic; Transferase Deficiency Galactosemia; GALACTOSEMIA I; GALACTOSE-1-PHOSPHATE URIDYLYLTRANSFERASE DEFICIENCY. Identifiers: Orphanet 352, Orphanet 79239, MedGen C0268151, MONDO:0009258, OMIM 230400.

gnomAD v4.1: 1 of 1,613,902 alleles (0.000062%); highest among the groups gnomAD compares: African/African-American, 0.0013%; no homozygotes.

Submission:

Labcorp Genetics (formerly Invitae), Labcorp
Classification: Uncertain significance for Deficiency of UDPglucose-hexose-1-phosphate uridylyltransferase. Last evaluated: 2026-01-09. Review status: criteria provided, single submitter. Criteria: Invitae Variant Classification Sherloc (09022015). Collection method: clinical testing. Allele origin: germline.
Comment: This sequence change replaces glutamic acid, which is acidic and polar, with alanine, which is neutral and non-polar, at codon 84 of the GALT protein (p.Glu84Ala). This variant is not present in population databases (gnomAD no frequency). This variant has not been reported in the literature in individuals affected with GALT-related conditions. An algorithm developed to predict the effect of missense changes on protein structure and function (PolyPhen-2) suggests that this variant is likely to be disruptive. In summary, the available evidence is currently insufficient to determine the role of this variant in disease. Therefore, it has been classified as a Variant of Uncertain Significance.